The following is an entry in ClinVar:

ClinVar aggregate classification (germline): Uncertain significance (1 of 4 stars; one submission).

Conditions:
Hypertrophic cardiomyopathy 13. Also called: TNNC1-Related Familial Hypertrophic Cardiomyopathy. Identifiers: MedGen C2750472, MONDO:0013195, OMIM 613243.
Dilated cardiomyopathy 1Z (CMD1Z). Identifiers: Orphanet 154, MedGen C2678475, MONDO:0012745, OMIM 611879.

Submission:

Labcorp Genetics (formerly Invitae), Labcorp
Classification: Uncertain significance for Hypertrophic cardiomyopathy 13; Dilated cardiomyopathy 1Z. Last evaluated: 2023-12-04. Review status: criteria provided, single submitter. Criteria: Invitae Variant Classification Sherloc (09022015). Collection method: clinical testing. Allele origin: germline.
Comment: This sequence change creates a premature translational stop signal (p.Asp131Thrfs*7) in the TNNC1 gene. While this is not anticipated to result in nonsense mediated decay, it is expected to disrupt the last 31 amino acid(s) of the TNNC1 protein. This variant is not present in population databases (gnomAD no frequency). This variant has not been reported in the literature in individuals affected with TNNC1-related conditions. In summary, the available evidence is currently insufficient to determine the role of this variant in disease. Therefore, it has been classified as a Variant of Uncertain Significance.

NM_003280.3(TNNC1):c.391del (p.Asp131fs)

Gene: TNNC1 (troponin C1, slow skeletal and cardiac type; minus strand). Cytogenetic location: 3p21.1.
Variant type: Deletion.
Coding change: c.391del on transcript NM_003280.3 (MANE Select); coding-DNA position 391, one base deleted (G; older notation c.391delG).
Protein change: p.Asp131fs; shifts the reading frame from aspartic acid 131.
Molecular consequence: frameshift variant.
Genome position (GRCh38, 1-based): chr3:52,451,454, C deleted on the plus strand (G on the coding strand, the reverse complement: TNNC1 is on the minus strand); the first of 2 consecutive C bases (chr3:52,451,454-52,451,455); deleting either gives the same sequence. VCF-style (leftmost placement, unchanged base first): chr3-52451453-TC-T. GRCh37 (hg19) VCF-style: chr3-52485469-TC-T.
Other names: short protein forms D131fs.
Identifiers: ClinVar variation 2954416 (VCV002954416.3), dbSNP rs2471443665, ClinGen allele CA2740094474.